The following is an entry in ClinVar:

ClinVar aggregate classification (germline): Uncertain significance. Review status: criteria provided, multiple submitters, no conflicts (2 of 4 stars). 2 submissions from 2 submitters: Uncertain significance (2). Last evaluated 2022-03-03.

Conditions:
Inborn genetic diseases. Identifiers: MedGen C0950123, MeSH D030342.

Allele frequency attached by ClinVar (database versions not stated): gnomAD exomes below 0.00001.
gnomAD v4.1: 2 of 1,613,690 alleles (0.00012%); highest among the groups gnomAD compares: African/African-American, 0.0027%; no homozygotes.

Submissions (2):

Labcorp Genetics (formerly Invitae), Labcorp
Classification: Uncertain significance. Last evaluated: 2022-03-03. Review status: criteria provided, single submitter. Criteria: Invitae Variant Classification Sherloc (09022015). Collection method: clinical testing. Allele origin: germline.
Comment: This sequence change replaces alanine, which is neutral and non-polar, with valine, which is neutral and non-polar, at codon 73 of the COL11A1 protein (p.Ala73Val). This variant is not present in population databases (gnomAD no frequency). This variant has not been reported in the literature in individuals affected with COL11A1-related conditions. ClinVar contains an entry for this variant (Variation ID: 1003720). Algorithms developed to predict the effect of missense changes on protein structure and function (SIFT, PolyPhen-2, Align-GVGD) all suggest that this variant is likely to be disruptive. In summary, the available evidence is currently insufficient to determine the role of this variant in disease. Therefore, it has been classified as a Variant of Uncertain Significance.

Ambry Genetics
Classification: Uncertain significance for Inborn genetic diseases. Last evaluated: 2022-01-07. Review status: criteria provided, single submitter. Criteria: Ambry Variant Classification Scheme 2023. Collection method: clinical testing. Allele origin: germline.

NM_001854.4(COL11A1):c.218C>T (p.Ala73Val)

Gene: COL11A1 (collagen type XI alpha 1 chain; minus strand). Cytogenetic location: 1p21.1.
Variant type: single nucleotide variant.
Coding change: c.218C>T on transcript NM_001854.4 (MANE Select); coding-DNA position 218, C replaced by T.
Protein change: p.Ala73Val; replaces alanine 73 with valine.
Molecular consequence: missense variant. On other transcripts: non-coding transcript variant (1).
Genome position (GRCh38, 1-based): chr1:103,082,861, G>A on the plus strand (C>T on the coding strand, the complement: COL11A1 is on the minus strand). VCF-style: chr1-103082861-G-A. GRCh37 (hg19) VCF-style: chr1-103548417-G-A.
Other names: c.218C>T, p.Ala73Val (NM_001190709.2, NM_080629.3, NM_080630.4); c.218C>T (NM_001854.3); short protein forms A73V.
Identifiers: ClinVar variation 1003720 (VCV001003720.9), dbSNP rs1672522063, ClinGen allele CA341168591.